The following is an entry in ClinVar:

ClinVar aggregate classification (germline): Uncertain significance. Review status: criteria provided, multiple submitters, no conflicts (2 of 4 stars). 5 submissions from 5 submitters: Uncertain significance (5). Last evaluated 2025-05-07.

Conditions:
Hereditary cancer-predisposing syndrome. Also called: Neoplastic Syndromes, Hereditary; Tumor predisposition; Hereditary Cancer Syndrome; Hereditary neoplastic syndrome. Identifiers: Orphanet 140162, MedGen C0027672, MeSH D009386, MONDO:0015356.
Nijmegen breakage syndrome-like disorder (NBSLD). Also called: MICROCEPHALY AND SPONTANEOUS CHROMOSOME INSTABILITY WITHOUT IMMUNODEFICIENCY; NBS-LIKE DISORDER; RAD50 DEFICIENCY. Identifiers: Orphanet 240760, MedGen C2751318, MONDO:0013118, OMIM 613078.

Allele frequency attached by ClinVar (database versions not stated): gnomAD 0.00001 and 0.00002; gnomAD exomes 0.00002 and 0.00007; TOPMed 0.00003; ExAC 0.00004; ESP Exome Variant Server 0.00015.
gnomAD v4.1: 108 of 1,614,048 alleles (0.0067%); highest among the groups gnomAD compares: Middle Eastern, 0.016%; no homozygotes.

Submissions (5):

Quest Diagnostics Nichols Institute San Juan Capistrano
Classification: Uncertain significance. Last evaluated: 2025-05-07. Review status: criteria provided, single submitter. Criteria: Quest Diagnostics criteria. Collection method: clinical testing. Allele origin: unknown.
Comment: The RAD50 c.3593G>A (p.Arg1198Gln) variant has been reported in the published literature in individuals with breast cancer (PMID: 30613976 (2019), 33471991 (2021), see also LOVD), prostate cancer (PMID: 31345636 (2019)), as well as in reportedly unaffected individuals (PMID: 33471991 (2021), see also LOVD). The frequency of this variant in the general population (Genome Aggregation Database) is uninformative in the assessment of its pathogenicity. Analysis of this variant using bioinformatics tools for the prediction of the effect of amino acid changes on protein structure and function yielded predictions that this variant is damaging. Based on the available information, we are unable to determine the clinical significance of this variant.

Labcorp Genetics (formerly Invitae), Labcorp
Classification: Uncertain significance for Hereditary cancer-predisposing syndrome. Last evaluated: 2024-04-08. Review status: criteria provided, single submitter. Criteria: Invitae Variant Classification Sherloc (09022015). Collection method: clinical testing. Allele origin: germline.
Comment: This sequence change replaces arginine, which is basic and polar, with glutamine, which is neutral and polar, at codon 1198 of the RAD50 protein (p.Arg1198Gln). This variant is present in population databases (rs373407069, gnomAD 0.006%). This missense change has been observed in individual(s) with male breast cancer (PMID: 30613976). ClinVar contains an entry for this variant (Variation ID: 140973). Advanced modeling of protein sequence and biophysical properties (such as structural, functional, and spatial information, amino acid conservation, physicochemical variation, residue mobility, and thermodynamic stability) performed at Invitae indicates that this missense variant is expected to disrupt RAD50 protein function with a positive predictive value of 80%. In summary, the available evidence is currently insufficient to determine the role of this variant in disease. Therefore, it has been classified as a Variant of Uncertain Significance.

Ambry Genetics
Classification: Uncertain significance for Hereditary cancer-predisposing syndrome. Last evaluated: 2023-12-28. Review status: criteria provided, single submitter. Criteria: Ambry Variant Classification Scheme 2023. Collection method: clinical testing. Allele origin: germline.
Comment: The p.R1198Q variant (also known as c.3593G>A), located in coding exon 23 of the RAD50 gene, results from a G to A substitution at nucleotide position 3593. The arginine at codon 1198 is replaced by glutamine, an amino acid with highly similar properties. In one study, this alteration was identified in a neuroblastoma patient (Lasorsa VA et al. Oncotarget, 2016 Apr;7:21840-52). This amino acid position is highly conserved in available vertebrate species. In addition, this alteration is predicted to be deleterious by in silico analysis. Since supporting evidence is limited at this time, the clinical significance of this alteration remains unclear.

Baylor Genetics
Classification: Uncertain significance for Nijmegen breakage syndrome-like disorder. Last evaluated: 2023-09-06. Review status: criteria provided, single submitter. Criteria: ACMG Guidelines, 2015. Collection method: clinical testing. Allele origin: unknown.

Sema4
Classification: Uncertain significance for Nijmegen breakage syndrome-like disorder. Last evaluated: 2021-09-09. Review status: criteria provided, single submitter. Criteria: Sema4 Curation Guidelines. Collection method: curation. Allele origin: germline.
Comment: The RAD50 c.3593G>A (p.R1198Q) variant has been reported in individuals with neuroblastoma, breast, and prostate cancer (PMID: 33471991, 31345636, 27009842), and has also been reported in healthy controls (PMID: 33471991). It was observed in 6/113646 chromosomes of the Non-Finnish European subpopulation, with no homozygotes, in the large and broad cohorts of the Genome Aggregation Database (PMID: 32461654). The variant has been reported in ClinVar (Variation ID: 140973). Functional studies have not been performed, and in silico predictions of the variant's effect on protein function are inconclusive. The evidence is insufficient to meet ACMG/AMP criteria for classifying the variant as benign or pathogenic. Thus, the clinical significance of this variant is currently uncertain.

Literature cited by the submitters: PubMed 33471991 (cited by Quest Diagnostics Nichols Institute San Juan Capistrano and Sema4); PubMed 31345636 (cited by Quest Diagnostics Nichols Institute San Juan Capistrano and Sema4); PubMed 30613976 (cited by 3 submitters); PubMed 27009842 (cited by Ambry Genetics and Sema4).

NM_005732.4(RAD50):c.3593G>A (p.Arg1198Gln)

Genes: RAD50 (RAD50 double strand break repair protein; plus strand), TH2-LCR (Th2 cytokine locus control region; plus strand), TH2LCRR (T helper type 2 locus control region associated RNA; minus strand). Cytogenetic location: 5q31.1.
Variant type: single nucleotide variant.
Coding change: c.3593G>A on transcript NM_005732.4 (MANE Select); coding-DNA position 3593, G replaced by A.
Protein change: p.Arg1198Gln; replaces arginine 1198 with glutamine.
Molecular consequence: missense variant. On other transcripts: non-coding transcript variant (3).
Genome position (GRCh38, 1-based): chr5:132,638,198, G>A. VCF-style: chr5-132638198-G-A. GRCh37 (hg19) VCF-style: chr5-131973890-G-A.
Other names: short protein forms R1198Q.
Identifiers: ClinVar variation 140973 (VCV000140973.17), dbSNP rs373407069, ClinGen allele CA333176.
Genomic context (GRCh38, chr5:132,638,198, plus strand): 5'-AAAGGCGGAATTATAACTACCGAGTGGTGATGCTGAAGGGAGACACAGCCTTGGATATGC[G>A]AGGACGATGCAGTGCTGGACAAAAGGCAGGTATCTCAAAAGCCTGGGGAGCCAACTCACC-3'
Protein context (NP_005723.2, residues 1188-1208): MLKGDTALDM[Arg1198Gln]GRCSAGQKVL